The following is an entry in ClinVar:

ClinVar aggregate classification (germline): Uncertain significance. Review status: criteria provided, single submitter (1 of 4 stars). 2 submissions from 2 submitters: Uncertain significance (1). 1 of the submissions does not count toward it. Last evaluated 2025-12-15.

Conditions:
CFP-related disorder. Also called: CFP-related condition.

Allele frequency attached by ClinVar (database versions not stated): gnomAD exomes 0.00005 and 0.00007; ESP Exome Variant Server 0.00009; ExAC 0.00011; gnomAD 0.00017 and 0.00018; TOPMed 0.00043; 1000 Genomes Project 30x 0.00104; 1000 Genomes Project 0.00106.
gnomAD v4.1: 85 of 1,209,944 alleles (0.007%); highest among the groups gnomAD compares: Admixed American, 0.059%; no homozygotes.

Submissions (2):

Labcorp Genetics (formerly Invitae), Labcorp
Classification: Uncertain significance. Last evaluated: 2025-12-15. Review status: criteria provided, single submitter. Criteria: Invitae Variant Classification Sherloc (09022015). Collection method: clinical testing. Allele origin: germline.
Comment: This sequence change replaces arginine, which is basic and polar, with histidine, which is basic and polar, at codon 222 of the CFP protein (p.Arg222His). This variant is present in population databases (rs185246758, gnomAD 0.02%). This missense change has been observed in individual(s) with inborn errors of immunity (PMID: 36367635). ClinVar contains an entry for this variant (Variation ID: 1381377). Invitae Evidence Modeling of protein sequence and biophysical properties (such as structural, functional, and spatial information, amino acid conservation, physicochemical variation, residue mobility, and thermodynamic stability) indicates that this missense variant is expected to disrupt CFP protein function with a positive predictive value of 80%. In summary, the available evidence is currently insufficient to determine the role of this variant in disease. Therefore, it has been classified as a Variant of Uncertain Significance.

PreventionGenetics, part of Exact Sciences
Classification: Uncertain significance for CFP-related condition. Last evaluated: 2023-11-29. Review status: no assertion criteria provided. Collection method: clinical testing. Allele origin: germline. Not counted in ClinVar's aggregate classification.
Comment: The CFP c.665G>A variant is predicted to result in the amino acid substitution p.Arg222His. To our knowledge, this variant has not been reported in the literature. This variant is reported in 0.022% of alleles in individuals of Latino descent in gnomAD, including two hemizygous individuals. Although we suspect that this variant may be benign, at this time, the clinical significance of this variant is uncertain due to the absence of conclusive functional and genetic evidence.

Literature cited by the submitters: PubMed 36367635 (cited by Labcorp Genetics (formerly Invitae), Labcorp).

NM_001145252.3(CFP):c.665G>A (p.Arg222His)

Gene: CFP (complement factor properdin; minus strand). Cytogenetic location: Xp11.23.
Variant type: single nucleotide variant.
Coding change: c.665G>A on transcript NM_001145252.3 (MANE Select); coding-DNA position 665, G replaced by A.
Protein change: p.Arg222His; replaces arginine 222 with histidine.
Molecular consequence: missense variant.
Genome position (GRCh38, 1-based): chrX:47,627,242, C>T on the plus strand (G>A on the coding strand, the complement: CFP is on the minus strand). VCF-style: chrX-47627242-C-T. GRCh37 (hg19) VCF-style: chrX-47486641-C-T.
Other names: c.665G>A, p.Arg222His (NM_002621.2); short protein forms R222H.
Identifiers: ClinVar variation 1381377 (VCV001381377.8), dbSNP rs185246758, ClinGen allele CA10398921.
Genomic context (GRCh38, chrX:47,627,242, plus strand): 5'-GCTAGCCCCGGGCAGGGCTTCCCAGGAGGTTTCTGGGAGGGCTCAGGTGCAGAACACTTG[C>T]GGCTTCGTGTCTCCTTAGGTTCGTGGGGTCCACCGTGGCAGGAGGCTGAGCAGGGGGTCC-3'
Protein context (NP_001138724.1, residues 212-232): GPHEPKETRS[Arg222His]KCSAPEPSQK